The following is an entry in ClinVar:

NM_001385641.1(SAMD11):c.2093C>T (p.Pro698Leu)

Genes: SAMD11 (sterile alpha motif domain containing 11; plus strand), LOC129929063 (ATAC-STARR-seq lymphoblastoid active region 4; plus strand). Cytogenetic location: 1p36.33.
Variant type: single nucleotide variant.
Coding change: c.2093C>T on transcript NM_001385641.1 (MANE Select); coding-DNA position 2093, C replaced by T.
Protein change: p.Pro698Leu; replaces proline 698 with leucine.
Molecular consequence: missense variant.
Genome position (GRCh38, 1-based): chr1:943,292, C>T. VCF-style: chr1-943292-C-T. GRCh37 (hg19) VCF-style: chr1-878672-C-T.
Other names: c.2096C>T, p.Pro699Leu (NM_001385640.1); c.1604C>T, p.Pro535Leu (NM_152486.4); short protein forms P698L, P535L, P699L.
Identifiers: ClinVar variation 2106560 (VCV002106560.4), dbSNP rs1162993536, ClinGen allele CA337815146.

ClinVar aggregate classification (germline): Uncertain significance (1 of 4 stars; one submission).

gnomAD v4.1: 3 of 1,612,752 alleles (0.00019%); highest among the groups gnomAD compares: South Asian, 0.0011%; no homozygotes.

Submission:

Labcorp Genetics (formerly Invitae), Labcorp
Classification: Uncertain significance. Last evaluated: 2025-12-08. Review status: criteria provided, single submitter. Criteria: Invitae Variant Classification Sherloc (09022015). Collection method: clinical testing. Allele origin: germline.
Comment: This sequence change replaces proline, which is neutral and non-polar, with leucine, which is neutral and non-polar, at codon 535 of the SAMD11 protein (p.Pro535Leu). This variant is present in population databases (no rsID available, gnomAD 0.003%). This variant has not been reported in the literature in individuals affected with SAMD11-related conditions. ClinVar contains an entry for this variant (Variation ID: 2106560). An algorithm developed to predict the effect of missense changes on protein structure and function (PolyPhen-2) suggests that this variant is likely to be tolerated. In summary, the available evidence is currently insufficient to determine the role of this variant in disease. Therefore, it has been classified as a Variant of Uncertain Significance.